The following is an entry in ClinVar:

NM_031935.3(HMCN1):c.11669A>C (p.Asp3890Ala)

Gene: HMCN1 (hemicentin 1; plus strand). Cytogenetic location: 1q31.1.
Variant type: single nucleotide variant.
Coding change: c.11669A>C on transcript NM_031935.3 (MANE Select); coding-DNA position 11669, A replaced by C.
Protein change: p.Asp3890Ala; replaces aspartic acid 3890 with alanine.
Molecular consequence: missense variant.
Genome position (GRCh38, 1-based): chr1:186,117,101, A>C. VCF-style: chr1-186117101-A-C. GRCh37 (hg19) VCF-style: chr1-186086233-A-C.
Other names: short protein forms D3890A.
Identifiers: ClinVar variation 2811593 (VCV002811593.3), dbSNP rs2528014641, ClinGen allele CA343945778.

ClinVar aggregate classification (germline): Uncertain significance (1 of 4 stars; one submission).

Submission:

Labcorp Genetics (formerly Invitae), Labcorp
Classification: Uncertain significance. Last evaluated: 2022-11-02. Review status: criteria provided, single submitter. Criteria: Invitae Variant Classification Sherloc (09022015). Collection method: clinical testing. Allele origin: germline.
Comment: In summary, the available evidence is currently insufficient to determine the role of this variant in disease. Therefore, it has been classified as a Variant of Uncertain Significance. Algorithms developed to predict the effect of missense changes on protein structure and function output the following: SIFT: "Tolerated"; PolyPhen-2: "Benign"; Align-GVGD: "Class C0". The alanine amino acid residue is found in multiple mammalian species, which suggests that this missense change does not adversely affect protein function. This variant has not been reported in the literature in individuals affected with HMCN1-related conditions. This variant is not present in population databases (gnomAD no frequency). This sequence change replaces aspartic acid, which is acidic and polar, with alanine, which is neutral and non-polar, at codon 3890 of the HMCN1 protein (p.Asp3890Ala).